The following is an entry in ClinVar:

ClinVar aggregate classification (germline): Likely pathogenic (1 of 4 stars; one submission).

Conditions:
Familial dysautonomia. Also called: HSAN III; FD. Identifiers: Orphanet 1764, MedGen C0013364, MONDO:0009131, OMIM 223900. Disease mechanism: loss of function.

Submission:

Myriad Genetics, Inc.
Classification: Likely pathogenic for Familial dysautonomia. Last evaluated: 2022-03-30. Review status: criteria provided, single submitter. Criteria: Myriad Women's Health Autosomal Recessive and X-Linked Classification Criteria (2021). Collection method: clinical testing. Allele origin: unknown.
Comment: NM_003640.3(ELP1):c.1202_1203delTG(V401Dfs*36) is expected to be pathogenic in the context of familial dysautonomia. This variant is predicted to lead to an abnormal or absent protein product due to the creation of a premature termination codon in ELP1, a gene where loss-of-function variants are known to be pathogenic. Please note: this variant was assessed in the context of healthy population screening.

NM_003640.5(ELP1):c.1202_1203del (p.Val401fs)

Gene: ELP1 (elongator acetyltransferase complex subunit 1; minus strand). Cytogenetic location: 9q31.3.
Variant type: Deletion.
Coding change: c.1202_1203del on transcript NM_003640.5 (MANE Select); coding-DNA positions 1202 to 1203, 2 bases deleted (TG; older notation c.1202_1203delTG).
Protein change: p.Val401fs; shifts the reading frame from valine 401.
Molecular consequence: frameshift variant.
Genome position (GRCh38, 1-based): chr9:108,911,167-108,911,168, CA deleted on the plus strand (TG on the coding strand, the reverse complement: ELP1 is on the minus strand); deleting any 2 consecutive bases within chr9:108,911,167-108,911,169 gives the same sequence; the c. name uses the placement nearest the transcript's 3' end. VCF-style (leftmost placement, unchanged base first): chr9-108911166-TCA-T. GRCh37 (hg19) VCF-style: chr9-111673446-TCA-T.
Other names: c.860_861del, p.Val287fs (NM_001318360.2); c.155_156del, p.Val52fs (NM_001330749.2); short protein forms V287fs, V401fs, V52fs.
Identifiers: ClinVar variation 1725535 (VCV001725535.2), dbSNP rs2537923192, ClinGen allele CA2580079396.
Genomic context (GRCh38, chr9:108,911,166, plus strand): 5'-GTGGGAACAGCAGTTGGTAGGTGCACATGGGAGGCGGAACCACAGTCTGCCGGAAGACTG[TCA>T]CCAACACCCTGTCTGCAGTGAAAAAGAAAGAAGAGGATTAGACCTAGGGATATTCAATTT-3'